The following is an entry in ClinVar:

NM_138395.4(MARS2):c.175C>T (p.His59Tyr)

Genes: MARS2 (methionyl-tRNA synthetase 2, mitochondrial; plus strand), LOC129935365 (ATAC-STARR-seq lymphoblastoid active region 16942; plus strand). Cytogenetic location: 2q33.1.
Variant type: single nucleotide variant.
Coding change: c.175C>T on transcript NM_138395.4 (MANE Select); coding-DNA position 175, C replaced by T.
Protein change: p.His59Tyr; replaces histidine 59 with tyrosine.
Molecular consequence: missense variant.
Genome position (GRCh38, 1-based): chr2:197,705,580, C>T. VCF-style: chr2-197705580-C-T. GRCh37 (hg19) VCF-style: chr2-198570304-C-T.
Other names: short protein forms H59Y.
Identifiers: ClinVar variation 418288 (VCV000418288.8), dbSNP rs754121141, ClinGen allele CA2044531.

ClinVar aggregate classification (germline): Conflicting classifications of pathogenicity. Review status: criteria provided, conflicting classifications (1 of 4 stars). 3 submissions from 3 submitters: Likely pathogenic (1); Uncertain significance (2). Last evaluated 2023-08-31.

Allele frequency attached by ClinVar (database versions not stated): gnomAD exomes below 0.00001 and 0.00001; ExAC 0.00001; gnomAD 0.00001; TOPMed 0.00002.
gnomAD v4.1: 10 of 1,613,092 alleles (0.00062%); highest among the groups gnomAD compares: African/African-American, 0.0013%; no homozygotes.

Submissions (3):

Blueprint Genetics
Classification: Uncertain significance. Last evaluated: 2023-08-31. Review status: criteria provided, single submitter. Criteria: ACMG Guidelines, 2015. Collection method: clinical testing. Allele origin: germline.

Labcorp Genetics (formerly Invitae), Labcorp
Classification: Uncertain significance. Last evaluated: 2023-08-03. Review status: criteria provided, single submitter. Criteria: Invitae Variant Classification Sherloc (09022015). Collection method: clinical testing. Allele origin: germline.
Comment: This sequence change replaces histidine, which is basic and polar, with tyrosine, which is neutral and polar, at codon 59 of the MARS2 protein (p.His59Tyr). This variant is present in population databases (rs754121141, gnomAD 0.004%). This variant has not been reported in the literature in individuals affected with MARS2-related conditions. ClinVar contains an entry for this variant (Variation ID: 418288). Advanced modeling of protein sequence and biophysical properties (such as structural, functional, and spatial information, amino acid conservation, physicochemical variation, residue mobility, and thermodynamic stability) performed at Invitae indicates that this missense variant is expected to disrupt MARS2 protein function. In summary, the available evidence is currently insufficient to determine the role of this variant in disease. Therefore, it has been classified as a Variant of Uncertain Significance.

GeneDx
Classification: Likely pathogenic. Last evaluated: 2013-10-30. Review status: criteria provided, single submitter. Criteria: GeneDx Variant Classification (06012015). Collection method: clinical testing. Allele origin: germline. Affected: yes.
Comment: A novel H59Y missense change that is likely pathogenic was identified in the MARS2 gene. It has not been published as a pathogenic variant, nor has it been reported as a benign polymorphism to our knowledge. The amino acid change is non-conservative in that a positively charged Histidine residue is replaced by an uncharged Tyrosine residue. This change occurs at a highly conserved position in the MARS2 protein, and multiple in-silico analysis programs predict that H59Y is damaging to the MARS2 protein. Therefore, H59Y is a strong candidate for a pathogenic variant, however the possibility that it is a benign variant cannot be excluded.